The following is an entry in ClinVar:

ClinVar aggregate classification (germline): Uncertain significance (1 of 4 stars; one submission).

Allele frequency attached by ClinVar (database versions not stated): gnomAD 0.00001; gnomAD exomes 0.00001; TOPMed 0.00001.
gnomAD v4.1: 7 of 1,613,766 alleles (0.00043%); highest among the groups gnomAD compares: Non-Finnish European, 0.00059%; no homozygotes.

Submission:

Labcorp Genetics (formerly Invitae), Labcorp
Classification: Uncertain significance. Last evaluated: 2024-02-25. Review status: criteria provided, single submitter. Criteria: Invitae Variant Classification Sherloc (09022015). Collection method: clinical testing. Allele origin: germline.
Comment: This sequence change replaces proline, which is neutral and non-polar, with serine, which is neutral and polar, at codon 1100 of the SRCAP protein (p.Pro1100Ser). This variant is not present in population databases (gnomAD no frequency). This variant has not been reported in the literature in individuals affected with SRCAP-related conditions. Advanced modeling of protein sequence and biophysical properties (such as structural, functional, and spatial information, amino acid conservation, physicochemical variation, residue mobility, and thermodynamic stability) performed at Invitae indicates that this missense variant is not expected to disrupt SRCAP protein function with a negative predictive value of 80%. In summary, the available evidence is currently insufficient to determine the role of this variant in disease. Therefore, it has been classified as a Variant of Uncertain Significance.

NM_006662.3(SRCAP):c.3298C>T (p.Pro1100Ser)

Gene: SRCAP (Snf2 related CREBBP activator protein; plus strand). Cytogenetic location: 16p11.2.
Variant type: single nucleotide variant.
Coding change: c.3298C>T on transcript NM_006662.3 (MANE Select); coding-DNA position 3298, C replaced by T.
Protein change: p.Pro1100Ser; replaces proline 1100 with serine.
Molecular consequence: missense variant.
Genome position (GRCh38, 1-based): chr16:30,721,233, C>T. VCF-style: chr16-30721233-C-T. GRCh37 (hg19) VCF-style: chr16-30732554-C-T.
Other names: short protein forms P1100S.
Identifiers: ClinVar variation 2916307 (VCV002916307.3), dbSNP rs1207927809, ClinGen allele CA395613710.